The following is an entry in ClinVar:

ClinVar aggregate classification (germline): Uncertain significance. Review status: criteria provided, multiple submitters, no conflicts (2 of 4 stars). 2 submissions from 2 submitters: Uncertain significance (2). Last evaluated 2025-09-16.

Allele frequency attached by ClinVar (database versions not stated): gnomAD 0.00001; TOPMed 0.00001.

Submissions (2):

Labcorp Genetics (formerly Invitae), Labcorp
Classification: Uncertain significance. Last evaluated: 2025-09-16. Review status: criteria provided, single submitter. Criteria: Invitae Variant Classification Sherloc (09022015). Collection method: clinical testing. Allele origin: germline.
Comment: This sequence change replaces arginine, which is basic and polar, with cysteine, which is neutral and slightly polar, at codon 436 of the ZNF513 protein (p.Arg436Cys). This variant is present in population databases (no rsID available, gnomAD 0.005%). This variant has not been reported in the literature in individuals affected with ZNF513-related conditions. ClinVar contains an entry for this variant (Variation ID: 1915810). An algorithm developed to predict the effect of missense changes on protein structure and function (PolyPhen-2) suggests that this variant is likely to be tolerated. In summary, the available evidence is currently insufficient to determine the role of this variant in disease. Therefore, it has been classified as a Variant of Uncertain Significance.

Blueprint Genetics
Classification: Uncertain significance. Last evaluated: 2022-09-01. Review status: criteria provided, single submitter. Criteria: ACMG Guidelines, 2015. Collection method: clinical testing. Allele origin: germline.

NM_144631.6(ZNF513):c.1306C>T (p.Arg436Cys)

Gene: ZNF513 (zinc finger protein 513; minus strand). Cytogenetic location: 2p23.3.
Variant type: single nucleotide variant.
Coding change: c.1306C>T on transcript NM_144631.6 (MANE Select); coding-DNA position 1306, C replaced by T.
Protein change: p.Arg436Cys; replaces arginine 436 with cysteine.
Molecular consequence: missense variant.
Genome position (GRCh38, 1-based): chr2:27,377,865, G>A on the plus strand (C>T on the coding strand, the complement: ZNF513 is on the minus strand). VCF-style: chr2-27377865-G-A. GRCh37 (hg19) VCF-style: chr2-27600732-G-A.
Other names: c.1120C>T, p.Arg374Cys (NM_001201459.2); short protein forms R436C, R374C.
Identifiers: ClinVar variation 1915810 (VCV001915810.6), dbSNP rs1167747807, ClinGen allele CA346214732.